The following is an entry in ClinVar:

NM_000179.3(MSH6):c.2744C>T (p.Ala915Val)

Gene: MSH6 (mutS homolog 6; plus strand). Cytogenetic location: 2p16.3.
Variant type: single nucleotide variant.
Coding change: c.2744C>T on transcript NM_000179.3 (MANE Select); coding-DNA position 2744, C replaced by T.
Protein change: p.Ala915Val; replaces alanine 915 with valine.
Molecular consequence: missense variant.
Genome position (GRCh38, 1-based): chr2:47,800,727, C>T. VCF-style: chr2-47800727-C-T. GRCh37 (hg19) VCF-style: chr2-48027866-C-T.
Other names: c.2354C>T, p.Ala785Val (NM_001281492.2); c.1838C>T, p.Ala613Val (NM_001281493.2, NM_001281494.2); short protein forms A915V, A613V, A785V.
Identifiers: ClinVar variation 956342 (VCV000956342.12), dbSNP rs766427609, ClinGen allele CA346755404.
Genomic context (GRCh38, chr2:47,800,727, plus strand): 5'-CAAAAAATCCTGAAGGTCGTTTTCCTGATTTGACTGTAGAATTGAACCGATGGGATACAG[C>T]CTTTGACCATGAAAAGGCTCGAAAGACTGGACTTATTACTCCCAAAGCAGGCTTTGACTC-3'
Protein context (NP_000170.1, residues 905-925): LTVELNRWDT[Ala915Val]FDHEKARKTG

ClinVar aggregate classification (germline): Uncertain significance. Review status: criteria provided, multiple submitters, no conflicts (2 of 4 stars). 2 submissions from 2 submitters: Uncertain significance (2). Last evaluated 2021-03-04.

Conditions:
Hereditary cancer-predisposing syndrome. Also called: Hereditary neoplastic syndrome; Tumor predisposition; Neoplastic Syndromes, Hereditary; Hereditary Cancer Syndrome. Identifiers: Orphanet 140162, MedGen C0027672, MeSH D009386, MONDO:0015356.
Hereditary nonpolyposis colorectal neoplasms. Identifiers: MedGen C0009405, MeSH D003123.

Submissions (2):

Ambry Genetics
Classification: Uncertain significance for Hereditary cancer-predisposing syndrome. Last evaluated: 2021-03-04. Review status: criteria provided, single submitter. Criteria: Ambry Variant Classification Scheme 2023. Collection method: clinical testing. Allele origin: germline.
Comment: The p.A915V variant (also known as c.2744C>T), located in coding exon 4 of the MSH6 gene, results from a C to T substitution at nucleotide position 2744. The alanine at codon 915 is replaced by valine, an amino acid with similar properties. This amino acid position is highly conserved in available vertebrate species. In addition, this alteration is predicted to be deleterious by in silico analysis. Since supporting evidence is limited at this time, the clinical significance of this alteration remains unclear.

Labcorp Genetics (formerly Invitae), Labcorp
Classification: Uncertain significance for Hereditary nonpolyposis colorectal neoplasms. Last evaluated: 2019-08-31. Review status: criteria provided, single submitter. Criteria: Invitae Variant Classification Sherloc (09022015). Collection method: clinical testing. Allele origin: germline.
Comment: In summary, the available evidence is currently insufficient to determine the role of this variant in disease. Therefore, it has been classified as a Variant of Uncertain Significance. Algorithms developed to predict the effect of missense changes on protein structure and function are either unavailable or do not agree on the potential impact of this missense change (SIFT: "Deleterious"; PolyPhen-2: "Probably Damaging"; Align-GVGD: "Class C0"). This sequence change replaces alanine with valine at codon 915 of the MSH6 protein (p.Ala915Val). The alanine residue is highly conserved and there is a small physicochemical difference between alanine and valine. This variant is not present in population databases (ExAC no frequency). This variant has not been reported in the literature in individuals with MSH6-related conditions.